The following is an entry in ClinVar:

ClinVar aggregate classification (germline): Uncertain significance (1 of 4 stars; one submission).

Conditions:
Osteogenesis imperfecta type I (OI1). Also called: Lobstein's Disease; Classic Non-deforming Osteogenesis Imperfecta with Blue Sclerae; Lobstein disease; OI, TYPE I; OSTEOGENESIS IMPERFECTA TARDA; OSTEOGENESIS IMPERFECTA WITH BLUE SCLERAE. Identifiers: Orphanet 216796, Orphanet 666, MedGen C0023931, MONDO:0008146, OMIM 166200. Disease mechanism: loss of function.
Ehlers-Danlos syndrome, classic type, 1 (EDSCL1). Also called: Ehlers-Danlos syndrome, type 1; Ehlers-Danlos Syndrome, Classic Type, COL5A1-Related; EDS I; EHLERS-DANLOS SYNDROME, GRAVIS TYPE; EHLERS-DANLOS SYNDROME, SEVERE CLASSIC TYPE. Identifiers: MedGen C0268335, MONDO:0019567, OMIM 130000.

Submission:

Labcorp Genetics (formerly Invitae), Labcorp
Classification: Uncertain significance for Osteogenesis imperfecta type I; Ehlers-Danlos syndrome, classic type, 1. Last evaluated: 2019-05-20. Review status: criteria provided, single submitter. Criteria: Invitae Variant Classification Sherloc (09022015). Collection method: clinical testing. Allele origin: germline.
Comment: In summary, the available evidence is currently insufficient to determine the role of this variant in disease. Therefore, it has been classified as a Variant of Uncertain Significance. Algorithms developed to predict the effect of missense changes on protein structure and function (SIFT, PolyPhen-2, Align-GVGD) all suggest that this variant is likely to be disruptive, but these predictions have not been confirmed by published functional studies and their clinical significance is uncertain. This variant has not been reported in the literature in individuals with COL1A2-related conditions. This variant is not present in population databases (ExAC no frequency). This sequence change replaces cysteine with arginine at codon 1317 of the COL1A2 protein (p.Cys1317Arg). The cysteine residue is highly conserved and there is a large physicochemical difference between cysteine and arginine.

NM_000089.4(COL1A2):c.3949T>C (p.Cys1317Arg)

Gene: COL1A2 (collagen type I alpha 2 chain; plus strand). Cytogenetic location: 7q21.3.
Variant type: single nucleotide variant.
Coding change: c.3949T>C on transcript NM_000089.4 (MANE Select); coding-DNA position 3949, T replaced by C.
Protein change: p.Cys1317Arg; replaces cysteine 1317 with arginine.
Molecular consequence: missense variant.
Genome position (GRCh38, 1-based): chr7:94,429,425, T>C. VCF-style: chr7-94429425-T-C. GRCh37 (hg19) VCF-style: chr7-94058737-T-C.
Other names: short protein forms C1317R.
Identifiers: ClinVar variation 849441 (VCV000849441.11), dbSNP rs1792355097, ClinGen allele CA368227102.
Genomic context (GRCh38, chr7:94,429,425, plus strand): 5'-GATGTTGAACTTGTTGCTGAGGGCAACAGCAGGTTCACTTACACTGTTCTTGTAGATGGC[T>C]GCTCTGTAAGTAATAGTGAAATATGGGAATAGCTTTGGGAAGTGGGATGGAGGGGGTTCT-3'
Protein context (NP_000080.2, residues 1307-1327): RFTYTVLVDG[Cys1317Arg]SKKTNEWGKT